The following is an entry in ClinVar:

ClinVar aggregate classification (germline): Pathogenic/Likely pathogenic. Review status: criteria provided, multiple submitters, no conflicts (2 of 4 stars). 5 submissions from 5 submitters: Pathogenic (3); Likely pathogenic (1). 1 of the submissions does not count toward it. Last evaluated 2025-10-16.

Conditions:
Glycine encephalopathy 1 (GCE1). Identifiers: MedGen CN376801, MONDO:0958179, OMIM 605899.
Glycine encephalopathy. Also called: Non-ketotic hyperglycinemia; Nonketotic hyperglycinemia. Identifiers: Orphanet 407, MedGen C0751748, MONDO:0011612, HP:0008288.

Allele frequency attached by ClinVar (database versions not stated): ExAC 0.00001; gnomAD exomes 0.00001; gnomAD 0.00002; TOPMed 0.00002.
gnomAD v4.1: 15 of 1,609,490 alleles (0.00093%); highest among the groups gnomAD compares: Non-Finnish European, 0.0013%; no homozygotes.

Submissions (5):

Labcorp Genetics (formerly Invitae), Labcorp
Classification: Pathogenic for Glycine encephalopathy. Last evaluated: 2025-10-16. Review status: criteria provided, single submitter. Criteria: Invitae Variant Classification Sherloc (09022015). Collection method: clinical testing. Allele origin: germline.
Comment: This sequence change replaces serine, which is neutral and polar, with isoleucine, which is neutral and non-polar, at codon 551 of the GLDC protein (p.Ser551Ile). This variant is present in population databases (rs751822565, gnomAD 0.002%). This missense change has been observed in individual(s) with glycine encephalopathy (PMID: 27362913). In at least one individual the data is consistent with being in trans (on the opposite chromosome) from a pathogenic variant. ClinVar contains an entry for this variant (Variation ID: 554912). Invitae Evidence Modeling of protein sequence and biophysical properties (such as structural, functional, and spatial information, amino acid conservation, physicochemical variation, residue mobility, and thermodynamic stability) indicates that this missense variant is expected to disrupt GLDC protein function with a positive predictive value of 95%. For these reasons, this variant has been classified as Pathogenic.

Natera, Inc.
Classification: Pathogenic for Non-ketotic hyperglycinemia. Last evaluated: 2025-05-14. Review status: criteria provided, single submitter. Criteria: Natera Variant Classification Schema (03/2026). Collection method: clinical testing. Allele origin: germline.
Comment: The c.1652G>T variant in GLDC is a missense variant predicted to cause substitution of serine to isoleucine at amino acid 551. This variant is rare in the general population with a frequency below the threshold expected for the associated phenotype(s). This variant has been observed in one or more individuals affected with the associated recessive disease, as either homozygous or compound heterozygous with a second variant (PMID: 27362913). Computational prediction algorithms indicate this variant is likely to affect gene or protein function. Given the available evidence, this variant is classified as Pathogenic.

Fulgent Genetics
Classification: Pathogenic for Glycine encephalopathy 1. Last evaluated: 2024-04-23. Review status: criteria provided, single submitter. Criteria: ACMG Guidelines, 2015. Collection method: clinical testing. Allele origin: germline.

GeneDx
Classification: Likely pathogenic. Last evaluated: 2023-03-07. Review status: criteria provided, single submitter. Criteria: GeneDx Variant Classification Process June 2021. Collection method: clinical testing. Allele origin: germline. Affected: yes.
Comment: Not observed at significant frequency in large population cohorts (gnomAD); In silico analysis supports that this missense variant has a deleterious effect on protein structure/function; This variant is associated with the following publications: (PMID: 27362913)

Counsyl
Classification: Likely pathogenic for Glycine encephalopathy 1. Last evaluated: 2017-11-08. Review status: no assertion criteria provided. Collection method: clinical testing. Allele origin: unknown. Not counted in ClinVar's aggregate classification.

Literature cited by the submitters: PubMed 27362913 (cited by 3 submitters).

NM_000170.3(GLDC):c.1652G>T (p.Ser551Ile)

Gene: GLDC (glycine decarboxylase; minus strand). Cytogenetic location: 9p24.1.
Variant type: single nucleotide variant.
Coding change: c.1652G>T on transcript NM_000170.3 (MANE Select); coding-DNA position 1652, G replaced by T.
Protein change: p.Ser551Ile; replaces serine 551 with isoleucine.
Molecular consequence: missense variant.
Genome position (GRCh38, 1-based): chr9:6,588,631, C>A on the plus strand (G>T on the coding strand, the complement: GLDC is on the minus strand). VCF-style: chr9-6588631-C-A. GRCh37 (hg19) VCF-style: chr9-6588631-C-A.
Other names: short protein forms S551I.
Identifiers: ClinVar variation 554912 (VCV000554912.13), dbSNP rs751822565, ClinGen allele CA4980603.